The following is an entry in ClinVar:

NM_004526.4(MCM2):c.2071A>G (p.Lys691Glu)

Gene: MCM2 (minichromosome maintenance complex component 2; plus strand). Cytogenetic location: 3q21.3.
Variant type: single nucleotide variant.
Coding change: c.2071A>G on transcript NM_004526.4 (MANE Select); coding-DNA position 2071, A replaced by G.
Protein change: p.Lys691Glu; replaces lysine 691 with glutamic acid.
Molecular consequence: missense variant. On other transcripts: non-coding transcript variant (1).
Genome position (GRCh38, 1-based): chr3:127,619,084, A>G. VCF-style: chr3-127619084-A-G. GRCh37 (hg19) VCF-style: chr3-127337927-A-G.
Other names: short protein forms K691E.
Identifiers: ClinVar variation 2146927 (VCV002146927.4), dbSNP rs150514271, ClinGen allele CA2596111.

ClinVar aggregate classification (germline): Uncertain significance (1 of 4 stars; one submission).

Allele frequency attached by ClinVar (database versions not stated): ExAC 0.00010; TOPMed 0.00011; gnomAD 0.00012; ESP Exome Variant Server 0.00015.

Submission:

Labcorp Genetics (formerly Invitae), Labcorp
Classification: Uncertain significance. Last evaluated: 2024-06-17. Review status: criteria provided, single submitter. Criteria: Invitae Variant Classification Sherloc (09022015). Collection method: clinical testing. Allele origin: germline.
Comment: This sequence change replaces lysine, which is basic and polar, with glutamic acid, which is acidic and polar, at codon 691 of the MCM2 protein (p.Lys691Glu). This variant is present in population databases (rs150514271, gnomAD 0.02%). This variant has not been reported in the literature in individuals affected with MCM2-related conditions. ClinVar contains an entry for this variant (Variation ID: 2146927). An algorithm developed to predict the effect of missense changes on protein structure and function (PolyPhen-2) suggests that this variant is likely to be tolerated. In summary, the available evidence is currently insufficient to determine the role of this variant in disease. Therefore, it has been classified as a Variant of Uncertain Significance.